The following is an entry in ClinVar:

NM_000275.3(OCA2):c.1116+2T>C

Gene: OCA2 (OCA2 melanosomal transmembrane protein; minus strand). Cytogenetic location: 15q13.1.
Variant type: single nucleotide variant.
Coding change: c.1116+2T>C on transcript NM_000275.3 (MANE Select); the canonical splice donor site of the intron after coding-DNA position 1116, T replaced by C.
Molecular consequence: splice donor variant. On other transcripts: intron variant (1).
Genome position (GRCh38, 1-based): chr15:27,990,574, A>G on the plus strand (T>C on the coding strand, the complement: OCA2 is on the minus strand). VCF-style: chr15-27990574-A-G. GRCh37 (hg19) VCF-style: chr15-28235720-A-G.
Other names: c.1045-908T>C (NM_001300984.2).
Identifiers: ClinVar variation 1465044 (VCV001465044.7), dbSNP rs748537823, ClinGen allele CA7439218.

ClinVar aggregate classification (germline): Likely pathogenic. Review status: criteria provided, multiple submitters, no conflicts (2 of 4 stars). 2 submissions from 2 submitters: Likely pathogenic (2). Last evaluated 2023-12-26.

Conditions:
SKIN/HAIR/EYE PIGMENTATION 1, BLUE/NONBLUE EYES (SHEP1). Also called: EYE COLOR 3; EYE COLOR, BLUE/NONBLUE; EYE COLOR, BROWN/BLUE; HAIR COLOR 3; SKIN/HAIR/EYE PIGMENTATION 1, BLOND/BROWN HAIR; SKIN/HAIR/EYE PIGMENTATION 1, BLUE/BROWN EYES. Identifiers: MedGen C1856895, OMIM 227220.

Allele frequency attached by ClinVar (database versions not stated): gnomAD exomes below 0.00001; ExAC 0.00001.
gnomAD v4.1: 3 of 1,613,920 alleles (0.00019%); highest among the groups gnomAD compares: Non-Finnish European, 0.00025%; no homozygotes.

Submissions (2):

Baylor Genetics
Classification: Likely pathogenic for SKIN/HAIR/EYE PIGMENTATION 1, BLUE/NONBLUE EYES. Last evaluated: 2023-12-26. Review status: criteria provided, single submitter. Criteria: ACMG Guidelines, 2015. Collection method: clinical testing. Allele origin: unknown.

Labcorp Genetics (formerly Invitae), Labcorp
Classification: Likely pathogenic. Last evaluated: 2023-04-09. Review status: criteria provided, single submitter. Criteria: Invitae Variant Classification Sherloc (09022015). Collection method: clinical testing. Allele origin: germline.
Comment: This variant is present in population databases (rs748537823, gnomAD 0.0009%). In summary, the currently available evidence indicates that the variant is pathogenic, but additional data are needed to prove that conclusively. Therefore, this variant has been classified as Likely Pathogenic. Algorithms developed to predict the effect of sequence changes on RNA splicing suggest that this variant may disrupt the consensus splice site. ClinVar contains an entry for this variant (Variation ID: 1465044). This variant has not been reported in the literature in individuals affected with OCA2-related conditions. This sequence change affects a donor splice site in intron 10 of the OCA2 gene. It is expected to disrupt RNA splicing. Variants that disrupt the donor or acceptor splice site typically lead to a loss of protein function (PMID: 16199547), and loss-of-function variants in OCA2 are known to be pathogenic (PMID: 19865097, 21541274).

Literature cited by the submitters: PubMed 16199547 (cited by Labcorp Genetics (formerly Invitae), Labcorp); PubMed 19865097 (cited by Labcorp Genetics (formerly Invitae), Labcorp); PubMed 21541274 (cited by Labcorp Genetics (formerly Invitae), Labcorp).